The following is an entry in ClinVar:

NM_005400.3(PRKCE):c.1533C>G (p.Phe511Leu)

Gene: PRKCE (protein kinase C epsilon; plus strand). Cytogenetic location: 2p21.
Variant type: single nucleotide variant.
Coding change: c.1533C>G on transcript NM_005400.3 (MANE Select); coding-DNA position 1533, C replaced by G.
Protein change: p.Phe511Leu; replaces phenylalanine 511 with leucine.
Molecular consequence: missense variant.
Genome position (GRCh38, 1-based): chr2:46,086,303, C>G. VCF-style: chr2-46086303-C-G. GRCh37 (hg19) VCF-style: chr2-46313442-C-G.
Other names: short protein forms F511L.
Identifiers: ClinVar variation 931705 (VCV000931705.3), dbSNP rs765421914, ClinGen allele CA346807524.
Genomic context (GRCh38, chr2:46,086,303, plus strand): 5'-TGGAGACCTCATGTTTCAGATTCAGCGCTCCCGAAAATTCGACGAGCCTCGTTCACGGTT[C>G]TATGCTGCAGAGGTCACATCGGCCCTCATGTTCCTCCACCAGCATGGAGTCATCTACAGG-3'
Protein context (NP_005391.1, residues 501-521): SRKFDEPRSR[Phe511Leu]YAAEVTSALM

ClinVar aggregate classification (germline): Uncertain significance (1 of 4 stars; one submission).

Allele frequency attached by ClinVar (database versions not stated): gnomAD 0.00001; TOPMed 0.00001 and 0.00002.
gnomAD v4.1: 11 of 1,599,608 alleles (0.00069%); highest among the groups gnomAD compares: Admixed American, 0.0017%; no homozygotes.

Submission:

Centre for Mendelian Genomics, University Medical Centre Ljubljana
Classification: Uncertain significance. Last evaluated: 2019-12-02. Review status: criteria provided, single submitter. Criteria: ACMG Guidelines, 2015. Collection method: clinical testing. Allele origin: unknown. Affected: yes.
Comment: This variant was classified as: Uncertain significance. The available evidence on this variant's pathogenicity is insufficient or conflicting. The following ACMG criteria were applied in classifying this variant: PM2,PP3.